The following is an entry in ClinVar:

ClinVar aggregate classification (germline): Uncertain significance (1 of 4 stars; one submission).

Conditions:
Inborn genetic diseases. Identifiers: MedGen C0950123, MeSH D030342.

Submission:

Ambry Genetics
Classification: Uncertain significance for Inborn genetic diseases. Last evaluated: 2024-11-26. Review status: criteria provided, single submitter. Criteria: Ambry Variant Classification Scheme 2023. Collection method: clinical testing. Allele origin: germline.
Comment: The p.P115R variant (also known as c.344C>G), located in coding exon 3 of the HAX1 gene, results from a C to G substitution at nucleotide position 344. The proline at codon 115 is replaced by arginine, an amino acid with dissimilar properties. This amino acid position is conserved. In addition, this alteration is predicted to be tolerated by in silico analysis. Based on the available evidence, the clinical significance of this variant remains unclear.

NM_006118.4(HAX1):c.344C>G (p.Pro115Arg)

Gene: HAX1 (HCLS1 associated protein X-1; plus strand). Cytogenetic location: 1q21.3.
Variant type: single nucleotide variant.
Coding change: c.344C>G on transcript NM_006118.4 (MANE Select); coding-DNA position 344, C replaced by G.
Protein change: p.Pro115Arg; replaces proline 115 with arginine.
Molecular consequence: missense variant.
Genome position (GRCh38, 1-based): chr1:154,273,801, C>G. VCF-style: chr1-154273801-C-G. GRCh37 (hg19) VCF-style: chr1-154246277-C-G.
Other names: c.200C>G, p.Pro67Arg (NM_001018837.2); short protein forms P67R, P115R.
Identifiers: ClinVar variation 3524084 (VCV003524084.1).
Genomic context (GRCh38, chr1:154,273,801, plus strand): 5'-CCATCCCAGCAAACACCTGCCACCTTTCTGCAGAACTTCCAGGTCCTGAGTCAGAGACAC[C>G]TGGTGAGAGACTACGGGAGGGACAGACACTTCGGGACTCAATGCTTAAGTATCCAGATAG-3'
Protein context (NP_006109.2, residues 105-125): PELPGPESET[Pro115Arg]GERLREGQTL